The following is an entry in ClinVar:

NM_004360.5(CDH1):c.29delinsGGCT (p.Ala10delinsGlyLeu)

Gene: CDH1 (cadherin 1; plus strand). Cytogenetic location: 16q22.1.
Variant type: Indel.
Coding change: c.29delinsGGCT on transcript NM_004360.5 (MANE Select); coding-DNA position 29, C replaced by GGCT.
Protein change: p.Ala10delinsGlyLeu.
Molecular consequence: inframe indel. On other transcripts: 5 prime UTR variant (2).
Genome position (GRCh38, 1-based): chr16:68,737,444, C replaced by GGCT. VCF-style: chr16-68737444-C-GGCT. GRCh37 (hg19) VCF-style: chr16-68771347-C-GGCT.
Other names: c.29delinsGGCT, p.Ala10delinsGlyLeu (NM_001317184.2); c.-1587delinsGGCT (NM_001317185.2); c.-1791delinsGGCT (NM_001317186.2).
Identifiers: ClinVar variation 968651 (VCV000968651.6), dbSNP rs1962425092, ClinGen allele CA1139664741.

ClinVar aggregate classification (germline): Uncertain significance (1 of 4 stars; one submission).

Conditions:
Hereditary diffuse gastric adenocarcinoma (HDGC). Also called: DIFFUSE GASTRIC AND LOBULAR BREAST CANCER SYNDROME. Identifiers: Orphanet 26106, MedGen C1708349, MONDO:0007648, OMIM 137215.

Submission:

Labcorp Genetics (formerly Invitae), Labcorp
Classification: Uncertain significance for Hereditary diffuse gastric adenocarcinoma. Last evaluated: 2024-04-15. Review status: criteria provided, single submitter. Criteria: Invitae Variant Classification Sherloc (09022015). Collection method: clinical testing. Allele origin: germline.
Comment: This variant, c.29delinsGGCT, is a complex sequence change that results in the deletion of 1 and insertion of 2 amino acid(s) in the CDH1 protein (p.Ala10delinsGlyLeu). Information on the frequency of this variant in the gnomAD database is not available, as this variant may be reported differently in the database. This variant has not been reported in the literature in individuals affected with CDH1-related conditions. Experimental studies and prediction algorithms are not available or were not evaluated, and the functional significance of this variant is currently unknown. In summary, the available evidence is currently insufficient to determine the role of this variant in disease. Therefore, it has been classified as a Variant of Uncertain Significance.